The following is an entry in ClinVar:

ClinVar aggregate classification (germline): Likely pathogenic. Review status: criteria provided, multiple submitters, no conflicts (2 of 4 stars). 2 submissions from 2 submitters: Likely pathogenic (2). Last evaluated 2026-01-14.

Conditions:
Hereditary cancer-predisposing syndrome. Also called: Hereditary neoplastic syndrome; Neoplastic Syndromes, Hereditary; Tumor predisposition; Hereditary Cancer Syndrome. Identifiers: Orphanet 140162, MedGen C0027672, MeSH D009386, MONDO:0015356.
Cardiovascular phenotype. Identifiers: MedGen CN230736.

Submissions (2):

Labcorp Genetics (formerly Invitae), Labcorp
Classification: Likely pathogenic. Last evaluated: 2026-01-14. Review status: criteria provided, single submitter. Criteria: Invitae Variant Classification Sherloc (09022015). Collection method: clinical testing. Allele origin: germline.
Comment: This sequence change affects a donor splice site in intron 7 of the LZTR1 gene. It is expected to disrupt RNA splicing. Variants that disrupt the donor or acceptor splice site typically lead to a loss of protein function (PMID: 16199547), and loss-of-function variants in LZTR1 are known to be pathogenic (PMID: 24362817, 25335493, 25480913, 25795793, 29469822, 30368668, 30442762, 30442766, 30481304, 30859559). This variant is not present in population databases (gnomAD no frequency). Disruption of this splice site has been observed in individual(s) with chronic heart disease (PMID: 33084842). ClinVar contains an entry for this variant (Variation ID: 3869265). Algorithms developed to predict the effect of sequence changes on RNA splicing suggest that this variant may disrupt the consensus splice site. In summary, the currently available evidence indicates that the variant is pathogenic, but additional data are needed to prove that conclusively. Therefore, this variant has been classified as Likely Pathogenic.

Ambry Genetics
Classification: Likely pathogenic for Cardiovascular phenotype; Hereditary cancer-predisposing syndrome. Last evaluated: 2025-01-09. Review status: criteria provided, single submitter. Criteria: Ambry Variant Classification Scheme 2023. Collection method: clinical testing. Allele origin: germline.
Comment: The c.651+1G>C intronic variant results from a G to C substitution one nucleotide after coding exon 7 of the LZTR1 gene. This variant is considered to be rare based on population cohorts in the Genome Aggregation Database (gnomAD). This nucleotide position is highly conserved in available vertebrate species. In silico splice site analysis predicts that this alteration will weaken the native splice donor site and will result in the creation or strengthening of a novel splice donor site. Alterations that disrupt the canonical splice site are expected to cause aberrant splicing, resulting in an abnormal protein or a transcript that is subject to nonsense-mediated mRNA decay. Loss-of-function variants in LZTR1 are related to an increased risk for schwannomas and autosomal recessive Noonan syndrome; however, such associations with autosomal dominant Noonan syndrome have not been observed (Piotrowski A et al. Nat Genet. 2014 Feb;46:182-7; Yamamoto GL et al. J Med Genet. 2015 Jun;52:413-21; Johnston JJ et al. Genet Med. 2018 10;20:1175-1185). Based on the supporting evidence, this variant is likely pathogenic for an increased risk of LZTR1-related schwannomatosis (SWN) and would be expected to cause autosomal recessive Noonan syndrome when present along with a second pathogenic or likely pathogenic variant on the other allele; however, the association of this alteration with autosomal dominant Noonan syndrome is unlikely.

Literature cited by the submitters: PubMed 16199547 (cited by Labcorp Genetics (formerly Invitae), Labcorp); PubMed 24362817 (cited by Labcorp Genetics (formerly Invitae), Labcorp); PubMed 25335493 (cited by Labcorp Genetics (formerly Invitae), Labcorp); PubMed 25480913 (cited by Labcorp Genetics (formerly Invitae), Labcorp); PubMed 25795793 (cited by Labcorp Genetics (formerly Invitae), Labcorp); PubMed 29469822 (cited by Labcorp Genetics (formerly Invitae), Labcorp); PubMed 30368668 (cited by Labcorp Genetics (formerly Invitae), Labcorp); PubMed 30442762 (cited by Labcorp Genetics (formerly Invitae), Labcorp); PubMed 30442766 (cited by Labcorp Genetics (formerly Invitae), Labcorp); PubMed 30481304 (cited by Labcorp Genetics (formerly Invitae), Labcorp); PubMed 30859559 (cited by Labcorp Genetics (formerly Invitae), Labcorp); PubMed 33084842 (cited by Labcorp Genetics (formerly Invitae), Labcorp).

NM_006767.4(LZTR1):c.651+1G>C

Gene: LZTR1 (leucine zipper like post translational regulator 1; plus strand). Cytogenetic location: 22q11.21.
Variant type: single nucleotide variant.
Coding change: c.651+1G>C on transcript NM_006767.4 (MANE Select); the canonical splice donor site of the intron after coding-DNA position 651, G replaced by C.
Molecular consequence: splice donor variant.
Genome position (GRCh38, 1-based): chr22:20,989,683, G>C. VCF-style: chr22-20989683-G-C. GRCh37 (hg19) VCF-style: chr22-21343972-G-C.
Identifiers: ClinVar variation 3869265 (VCV003869265.2).